The following is an entry in ClinVar:

NM_004415.4(DSP):c.3574C>G (p.Leu1192Val)

Gene: DSP (desmoplakin; plus strand). Cytogenetic location: 6p24.3.
Variant type: single nucleotide variant.
Coding change: c.3574C>G on transcript NM_004415.4 (MANE Select); coding-DNA position 3574, C replaced by G.
Protein change: p.Leu1192Val; replaces leucine 1192 with valine.
Molecular consequence: missense variant.
Genome position (GRCh38, 1-based): chr6:7,579,764, C>G. VCF-style: chr6-7579764-C-G. GRCh37 (hg19) VCF-style: chr6-7579997-C-G.
Other names: c.3574C>G (LRG_423t1); c.3574C>G, p.Leu1192Val (NM_001008844.3, NM_001319034.2); short protein forms L1192V.
Identifiers: ClinVar variation 534296 (VCV000534296.1), dbSNP rs1554108118, ClinGen allele CA362684372.

ClinVar aggregate classification (germline): Uncertain significance (1 of 4 stars; one submission).

Conditions:
Arrhythmogenic cardiomyopathy with wooly hair and keratoderma. Also called: PALMOPLANTAR KERATODERMA WITH LEFT VENTRICULAR CARDIOMYOPATHY AND WOOLLY HAIR; Carvajal syndrome; Dilated cardiomyopathy with woolly hair and keratoderma; Arrhythmogenic cardiomyopathy with woolly hair and keratoderma. Identifiers: Orphanet 65282, MedGen C1854063, MONDO:0011581, OMIM 605676.
Arrhythmogenic right ventricular dysplasia 8 (ARVD8). Also called: Arrhythmogenic Right Ventricular Dysplasia/Cardiomyopathy 8; ARRHYTHMOGENIC RIGHT VENTRICULAR DYSPLASIA, FAMILIAL, 8; ARRHYTHMOGENIC RIGHT VENTRICULAR CARDIOMYOPATHY 8. Identifiers: MedGen C1843896, MONDO:0011831, OMIM 607450.

Submission:

Labcorp Genetics (formerly Invitae), Labcorp
Classification: Uncertain significance for Arrhythmogenic cardiomyopathy with wooly hair and keratoderma; Arrhythmogenic right ventricular dysplasia 8. Last evaluated: 2017-09-27. Review status: criteria provided, single submitter. Criteria: Invitae Variant Classification Sherloc (09022015). Collection method: clinical testing. Allele origin: germline.
Comment: This sequence change replaces leucine with valine at codon 1192 of the DSP protein (p.Leu1192Val). The leucine residue is highly conserved and there is a small physicochemical difference between leucine and valine. This variant is not present in population databases (ExAC no frequency). This variant has not been reported in the literature in individuals with DSP-related disease. Algorithms developed to predict the effect of missense changes on protein structure and function do not agree on the potential impact of this missense change (SIFT: "Deleterious"; PolyPhen-2: "Probably Damaging"; Align-GVGD: "Class C0"). In summary, the available evidence is currently insufficient to determine the role of this variant in disease. Therefore, it has been classified as a Variant of Uncertain Significance.